The following is an entry in ClinVar:

ClinVar aggregate classification (germline): Likely benign (1 of 4 stars; one submission).

Allele frequency attached by ClinVar (database versions not stated): gnomAD exomes 0.00006; ExAC 0.00022; gnomAD 0.00032; TOPMed 0.00053.

Submission:

CeGaT Center for Human Genetics Tuebingen
Classification: Likely benign. Last evaluated: 2022-11-01. Review status: criteria provided, single submitter. Criteria: CeGaT Center For Human Genetics Tuebingen Variant Classification Criteria Version 2. Collection method: clinical testing. Allele origin: germline. Affected: yes. Observed: 1 variant allele.
Comment: DDX3X: PP2, BS2

NM_001356.5(DDX3X):c.1025+152C>T

Gene: DDX3X (DEAD-box helicase 3 X-linked; plus strand). Cytogenetic location: Xp11.4.
Variant type: single nucleotide variant.
Coding change: c.1025+152C>T on transcript NM_001356.5 (MANE Select); 152 bases into the intron after coding-DNA position 1025, C replaced by T.
Molecular consequence: intron variant.
Genome position (GRCh38, 1-based): chrX:41,344,551, C>T. VCF-style: chrX-41344551-C-T. GRCh37 (hg19) VCF-style: chrX-41203804-C-T.
Other names: c.1025+152C>T (NM_001193416.3); c.977+152C>T (NM_001193417.3); c.467+152C>T (NM_001363819.1).
Identifiers: ClinVar variation 2660343 (VCV002660343.24), dbSNP rs776834725, ClinGen allele CA10389568.
Genomic context (GRCh38, chrX:41,344,551, plus strand): 5'-GCCATGGCGCGATCTCGGCTCACCACAACCTCTGCCTCCCGGGTTCAAGCGATTCTCCTG[C>T]CTCAGCCTCCCAGGTAGCTGGGATTACAGGCATGTGCCACCACGCTGGGCTAATTTTTGT-3'